The following is an entry in ClinVar:

ClinVar aggregate classification (germline): Uncertain significance (1 of 4 stars; one submission).

Submission:

GeneDx
Classification: Uncertain significance. Last evaluated: 2023-05-15. Review status: criteria provided, single submitter. Criteria: GeneDx Variant Classification Process June 2021. Collection method: clinical testing. Allele origin: germline. Affected: yes.
Comment: Not observed at significant frequency in large population cohorts (gnomAD); In silico analysis supports that this missense variant has a deleterious effect on protein structure/function; Has not been previously published as pathogenic or benign to our knowledge

NM_012123.4(MTO1):c.865C>G (p.Pro289Ala)

Gene: MTO1 (mitochondrial tRNA translation optimization 1; plus strand). Cytogenetic location: 6q13.
Variant type: single nucleotide variant.
Coding change: c.865C>G on transcript NM_012123.4 (MANE Select); coding-DNA position 865, C replaced by G.
Protein change: p.Pro289Ala; replaces proline 289 with alanine.
Molecular consequence: missense variant.
Genome position (GRCh38, 1-based): chr6:73,479,771, C>G. VCF-style: chr6-73479771-C-G. GRCh37 (hg19) VCF-style: chr6-74189494-C-G.
Other names: c.865C>G, p.Pro289Ala (NM_001123226.2, NM_133645.3); short protein forms P289A.
Identifiers: ClinVar variation 2663509 (VCV002663509.1), dbSNP rs2533278612, ClinGen allele CA364714378.